The following is an entry in ClinVar:

ClinVar aggregate classification (germline): Uncertain significance (1 of 4 stars; one submission).

Submission:

GeneDx
Classification: Uncertain significance. Last evaluated: 2026-03-11. Review status: criteria provided, single submitter. Criteria: GeneDx Variant Classification Process June 2021. Collection method: clinical testing. Allele origin: germline.
Comment: Not observed at significant frequency in large population cohorts (gnomAD); Has not been previously published as pathogenic or benign to our knowledge; In silico analysis does not support a benign or deleterious effect of this variant on protein structure/function

NM_019066.5(MAGEL2):c.1658C>T (p.Ala553Val)

Gene: MAGEL2 (MAGE family member L2; minus strand). Cytogenetic location: 15q11.2.
Variant type: single nucleotide variant.
Coding change: c.1658C>T on transcript NM_019066.5 (MANE Select); coding-DNA position 1658, C replaced by T.
Protein change: p.Ala553Val; replaces alanine 553 with valine.
Molecular consequence: missense variant.
Genome position (GRCh38, 1-based): chr15:23,646,085, G>A on the plus strand (C>T on the coding strand, the complement: MAGEL2 is on the minus strand). VCF-style: chr15-23646085-G-A. GRCh37 (hg19) VCF-style: chr15-23891232-G-A.
Other names: short protein forms A553V.
Identifiers: ClinVar variation 5008987 (VCV005008987.1).